The following is an entry in ClinVar:

NM_003738.5(PTCH2):c.3258-6_3258-5insTAGTA

Gene: PTCH2 (patched 2; minus strand). Cytogenetic location: 1p34.1.
Variant type: Insertion.
Coding change: c.3258-6_3258-5insTAGTA on transcript NM_003738.5 (MANE Select); 6 bases into the intron before coding-DNA position 3258 through 5 bases into the intron before coding-DNA position 3258, TAGTA inserted.
Molecular consequence: intron variant.
Genome position: GRCh38 VCF-style: chr1-44823173-G-GTACTA. GRCh37 (hg19) VCF-style: chr1-45288845-G-GTACTA.
Other names: c.3258-6_3258-5insTAGTA (NM_001166292.2).
Identifiers: ClinVar variation 2850540 (VCV002850540.3), dbSNP rs778600267, ClinGen allele CA822746.

ClinVar aggregate classification (germline): Uncertain significance (1 of 4 stars; one submission).

Conditions:
Gorlin syndrome. Also called: Nevoid Basal Cell Carcinoma Syndrome; Basal cell nevus syndrome. Identifiers: Orphanet 377, MedGen C0004779, MONDO:0007187.

Allele frequency attached by ClinVar (database versions not stated): gnomAD exomes below 0.00001; ExAC 0.00001; gnomAD 0.00001; TOPMed 0.00001.

Submission:

Labcorp Genetics (formerly Invitae), Labcorp
Classification: Uncertain significance for Gorlin syndrome. Last evaluated: 2025-11-20. Review status: criteria provided, single submitter. Criteria: Invitae Variant Classification Sherloc (09022015). Collection method: clinical testing. Allele origin: germline.
Comment: This sequence change falls in intron 20 of the PTCH2 gene. It does not directly change the encoded amino acid sequence of the PTCH2 protein. This variant is not present in population databases (gnomAD no frequency). This variant has not been reported in the literature in individuals affected with PTCH2-related conditions. ClinVar contains an entry for this variant (Variation ID: 2850540). Algorithms developed to predict the effect of sequence changes on RNA splicing suggest that this variant may disrupt the consensus splice site. In summary, the available evidence is currently insufficient to determine the role of this variant in disease. Therefore, it has been classified as a Variant of Uncertain Significance.